The following is an entry in ClinVar:

NM_000138.5(FBN1):c.5906G>T (p.Arg1969Met)

Gene: FBN1 (fibrillin 1; minus strand). Cytogenetic location: 15q21.1.
Variant type: single nucleotide variant.
Coding change: c.5906G>T on transcript NM_000138.5 (MANE Select); coding-DNA position 5906, G replaced by T.
Protein change: p.Arg1969Met; replaces arginine 1969 with methionine.
Molecular consequence: missense variant.
Genome position (GRCh38, 1-based): chr15:48,445,387, C>A on the plus strand (G>T on the coding strand, the complement: FBN1 is on the minus strand). VCF-style: chr15-48445387-C-A. GRCh37 (hg19) VCF-style: chr15-48737584-C-A.
Other names: c.5906G>T, p.Arg1969Met (NM_001406716.1); short protein forms R1969M.
Identifiers: ClinVar variation 2773333 (VCV002773333.2), dbSNP rs2505455109, ClinGen allele CA392339942.

ClinVar aggregate classification (germline): Uncertain significance (1 of 4 stars; one submission).

Conditions:
Familial thoracic aortic aneurysm and aortic dissection (TAAD). Also called: Thoracic aortic aneurysms and dissections. Identifiers: Orphanet 91387, MedGen C4707243, MONDO:0019625.

Submission:

Color Diagnostics, LLC DBA Color Health
Classification: Uncertain significance for Familial thoracic aortic aneurysm and aortic dissection. Last evaluated: 2024-03-06. Review status: criteria provided, single submitter. Criteria: ACMG Guidelines, 2015. Collection method: clinical testing. Allele origin: germline.
Comment: This missense variant replaces arginine with methionine at codon 1969 of the FBN1 protein. Computational prediction is inconclusive regarding the impact of this variant on protein structure and function (internally defined REVEL score threshold 0.5 < inconclusive < 0.7, PMID: 27666373). To our knowledge, functional studies have not been reported for this variant. This variant has not been reported in individuals affected with cardiovascular disorders in the literature. This variant has not been identified in the general population by the Genome Aggregation Database (gnomAD). The available evidence is insufficient to determine the role of this variant in disease conclusively. Therefore, this variant is classified as a Variant of Uncertain Significance.